The following is an entry in ClinVar:

NM_004380.3(CREBBP):c.2835G>A (p.Ser945=)

Gene: CREBBP (CREB binding lysine acetyltransferase; minus strand). Cytogenetic location: 16p13.3.
Variant type: single nucleotide variant.
Coding change: c.2835G>A on transcript NM_004380.3 (MANE Select); coding-DNA position 2835, G replaced by A.
Protein change: p.Ser945=; no amino-acid change (serine 945 retained).
Molecular consequence: synonymous variant.
Genome position (GRCh38, 1-based): chr16:3,770,615, C>T on the plus strand (G>A on the coding strand, the complement: CREBBP is on the minus strand). VCF-style: chr16-3770615-C-T. GRCh37 (hg19) VCF-style: chr16-3820616-C-T.
Other names: c.2721G>A, p.Ser907= (NM_001079846.1).
Identifiers: ClinVar variation 729029 (VCV000729029.9), dbSNP rs745404443, ClinGen allele CA7870028.

ClinVar aggregate classification (germline): Likely benign. Review status: criteria provided, multiple submitters, no conflicts (2 of 4 stars). 4 submissions from 4 submitters: Likely benign (3). 1 of the submissions does not count toward it. Last evaluated 2026-07-01.

Conditions:
Rubinstein-Taybi syndrome (RSTS). Identifiers: Orphanet 783, MedGen C0035934, MONDO:0019188.
CREBBP-related disorder. Also called: CREBBP-related disorders; CREBBP-related condition.

Allele frequency attached by ClinVar (database versions not stated): gnomAD 0.00001; TOPMed 0.00002.
gnomAD v4.1: 11 of 1,613,726 alleles (0.00068%); highest among the groups gnomAD compares: Admixed American, 0.005%; no homozygotes.

Submissions (4):

CeGaT Center for Human Genetics Tuebingen
Classification: Likely benign. Last evaluated: 2026-07-01. Review status: criteria provided, single submitter. Criteria: CeGaT Center For Human Genetics Tuebingen Variant Classification Criteria Version 2. Collection method: clinical testing. Allele origin: germline. Affected: yes. Observed: 1 variant allele.
Comment: CREBBP: BP4, BP7

Labcorp Genetics (formerly Invitae), Labcorp
Classification: Likely benign for Rubinstein-Taybi syndrome. Last evaluated: 2025-01-25. Review status: criteria provided, single submitter. Criteria: Invitae Variant Classification Sherloc (09022015). Collection method: clinical testing. Allele origin: germline.

Blueprint Genetics
Classification: Likely benign. Last evaluated: 2020-03-25. Review status: criteria provided, single submitter. Criteria: ACMG Guidelines, 2015. Collection method: clinical testing. Allele origin: germline.

PreventionGenetics, part of Exact Sciences
Classification: Likely benign for CREBBP-related condition. Last evaluated: 2021-10-06. Review status: no assertion criteria provided. Collection method: clinical testing. Allele origin: germline. Not counted in ClinVar's aggregate classification.
Comment: This variant is classified as likely benign based on ACMG/AMP sequence variant interpretation guidelines (Richards et al. 2015 PMID: 25741868, with internal and published modifications).